The following is an entry in ClinVar:

NM_015450.3(POT1):c.1457T>C (p.Leu486Ser)

Gene: POT1 (protection of telomeres 1; minus strand). Cytogenetic location: 7q31.33.
Variant type: single nucleotide variant.
Coding change: c.1457T>C on transcript NM_015450.3 (MANE Select); coding-DNA position 1457, T replaced by C.
Protein change: p.Leu486Ser; replaces leucine 486 with serine.
Molecular consequence: missense variant. On other transcripts: non-coding transcript variant (3).
Genome position (GRCh38, 1-based): chr7:124,835,327, A>G on the plus strand (T>C on the coding strand, the complement: POT1 is on the minus strand). VCF-style: chr7-124835327-A-G. GRCh37 (hg19) VCF-style: chr7-124475381-A-G.
Other names: c.1064T>C, p.Leu355Ser (NM_001042594.2); c.1457T>C (NM_015450.2); short protein forms L486S, L355S.
Identifiers: ClinVar variation 3693725 (VCV003693725.3).
Genomic context (GRCh38, chr7:124,835,327, plus strand): 5'-AAAACAAAATACCCATAGTGATGTATTGTTCCTTGTATAAGAAATGGTGCTGAAAGGTCC[A>G]AAAGTTCCAGGTCTTCGTGGCCAGATCTCACAGGAATTACACTATTAAACTTGTTCGAGA-3'
Protein context (NP_056265.2, residues 476-496): VRSGHEDLEL[Leu486Ser]DLSAPFLIQG

ClinVar aggregate classification (germline): Uncertain significance. Review status: criteria provided, multiple submitters, no conflicts (2 of 4 stars). 2 submissions from 2 submitters: Uncertain significance (2). Last evaluated 2025-05-27.

Conditions:
Hereditary cancer-predisposing syndrome. Also called: Neoplastic Syndromes, Hereditary; Tumor predisposition; Hereditary Cancer Syndrome; Hereditary neoplastic syndrome. Identifiers: Orphanet 140162, MedGen C0027672, MeSH D009386, MONDO:0015356.
Tumor predisposition syndrome 3 (TPDS3). Also called: Glioma susceptibility 9; LONG TELOMERE SYNDROME, POT1-RELATED; POT1 Tumor Predisposition; Melanoma, cutaneous malignant, susceptibility to, 10. Identifiers: Orphanet 618, MedGen C4014476, MONDO:0014368, OMIM 615848.

gnomAD v4.1: 1 of 1,614,136 alleles (0.000062%); highest among the groups gnomAD compares: Non-Finnish European, 0.000085%; no homozygotes.

Submissions (2):

Ambry Genetics
Classification: Uncertain significance for Hereditary cancer-predisposing syndrome. Last evaluated: 2025-05-27. Review status: criteria provided, single submitter. Criteria: Ambry Variant Classification Scheme 2023. Collection method: clinical testing. Allele origin: germline.
Comment: The p.L486S variant (also known as c.1457T>C), located in coding exon 11 of the POT1 gene, results from a T to C substitution at nucleotide position 1457. The leucine at codon 486 is replaced by serine, an amino acid with dissimilar properties. This amino acid position is highly conserved in available vertebrate species. In addition, the in silico prediction for this alteration is inconclusive. Based on the available evidence, the clinical significance of this variant remains unclear.

Labcorp Genetics (formerly Invitae), Labcorp
Classification: Uncertain significance for Tumor predisposition syndrome 3. Last evaluated: 2024-05-31. Review status: criteria provided, single submitter. Criteria: Invitae Variant Classification Sherloc (09022015). Collection method: clinical testing. Allele origin: germline.
Comment: This sequence change replaces leucine, which is neutral and non-polar, with serine, which is neutral and polar, at codon 486 of the POT1 protein (p.Leu486Ser). This variant is not present in population databases (gnomAD no frequency). This variant has not been reported in the literature in individuals affected with POT1-related conditions. Advanced modeling of protein sequence and biophysical properties (such as structural, functional, and spatial information, amino acid conservation, physicochemical variation, residue mobility, and thermodynamic stability) performed at Invitae indicates that this missense variant is not expected to disrupt POT1 protein function with a negative predictive value of 80%. In summary, the available evidence is currently insufficient to determine the role of this variant in disease. Therefore, it has been classified as a Variant of Uncertain Significance.